The following is an entry in ClinVar:

ClinVar aggregate classification (germline): Uncertain significance (1 of 4 stars; one submission).

Conditions:
Epidermodysplasia verruciformis. Identifiers: Orphanet 302, MedGen C0014522, MONDO:0009176.

gnomAD v4.1: 1 of 1,613,644 alleles (0.000062%); highest among the groups gnomAD compares: Non-Finnish European, 0.000085%; no homozygotes.

Submission:

Labcorp Genetics (formerly Invitae), Labcorp
Classification: Uncertain significance for Epidermodysplasia verruciformis. Last evaluated: 2019-10-31. Review status: criteria provided, single submitter. Criteria: Invitae Variant Classification Sherloc (09022015). Collection method: clinical testing. Allele origin: germline.
Comment: This sequence change replaces glycine with valine at codon 761 of the TMC6 protein (p.Gly761Val). The glycine residue is moderately conserved and there is a moderate physicochemical difference between glycine and valine. This variant is not present in population databases (ExAC no frequency). This variant has not been reported in the literature in individuals with TMC6-related conditions. Algorithms developed to predict the effect of missense changes on protein structure and function are either unavailable or do not agree on the potential impact of this missense change (SIFT: "Tolerated"; PolyPhen-2: "Probably Damaging"; Align-GVGD: "Class C0"). In summary, the available evidence is currently insufficient to determine the role of this variant in disease. Therefore, it has been classified as a Variant of Uncertain Significance.

NM_001127198.5(TMC6):c.2282G>T (p.Gly761Val)

Gene: TMC6 (transmembrane channel like 6; minus strand). Cytogenetic location: 17q25.3.
Variant type: single nucleotide variant.
Coding change: c.2282G>T on transcript NM_001127198.5 (MANE Select); coding-DNA position 2282, G replaced by T.
Protein change: p.Gly761Val; replaces glycine 761 with valine.
Molecular consequence: missense variant.
Genome position (GRCh38, 1-based): chr17:78,113,620, C>A on the plus strand (G>T on the coding strand, the complement: TMC6 is on the minus strand). VCF-style: chr17-78113620-C-A. GRCh37 (hg19) VCF-style: chr17-76109701-C-A.
Other names: c.2282G>T, p.Gly761Val (NM_001321185.1, NM_001374596.1, NM_001375353.1 and 2 more transcripts); c.2102G>T, p.Gly701Val (NM_001374593.1, NM_001374594.1); short protein forms G701V, G761V.
Identifiers: ClinVar variation 845310 (VCV000845310.8), dbSNP rs2073905913, ClinGen allele CA401222394.